The following is an entry in ClinVar:

NM_004369.4(COL6A3):c.2651T>G (p.Val884Gly)

Gene: COL6A3 (collagen type VI alpha 3 chain; minus strand). Cytogenetic location: 2q37.3.
Variant type: single nucleotide variant.
Coding change: c.2651T>G on transcript NM_004369.4 (MANE Select); coding-DNA position 2651, T replaced by G.
Protein change: p.Val884Gly; replaces valine 884 with glycine.
Molecular consequence: missense variant.
Genome position (GRCh38, 1-based): chr2:237,377,191, A>C on the plus strand (T>G on the coding strand, the complement: COL6A3 is on the minus strand). VCF-style: chr2-237377191-A-C. GRCh37 (hg19) VCF-style: chr2-238285834-A-C.
Other names: c.1430T>G, p.Val477Gly (NM_057164.5); c.2033T>G, p.Val678Gly (NM_057165.5, NM_057167.4); c.830T>G, p.Val277Gly (NM_057166.5); short protein forms V277G, V477G, V678G, V884G.
Identifiers: ClinVar variation 2630714 (VCV002630714.1), dbSNP rs2077870270, ClinGen allele CA351211049.
Genomic context (GRCh38, chr2:237,377,191, plus strand): 5'-TTCACAAGATTCAGGATCTCAGGCTTACTCTGGTGCTCATCAAAACGGGACTCCACCTTG[A>C]CATCATCGCTGTACTGAGCCACCGCAATTCGGGTCCCCTCTGGCTTCACATTGAGCTCAT-3'
Protein context (NP_004360.2, residues 874-894): RIAVAQYSDD[Val884Gly]KVESRFDEHQ

ClinVar aggregate classification (germline): Uncertain significance (1 of 4 stars; one submission).

Conditions:
COL6A3-related disorder. Also called: COL6A3-related condition; COL6A3-related disorders.

Submission:

PreventionGenetics, part of Exact Sciences
Classification: Uncertain significance for COL6A3-related condition. Last evaluated: 2023-08-29. Review status: criteria provided, single submitter. Criteria: ACMG Guidelines, 2015. Collection method: clinical testing. Allele origin: germline.
Comment: The COL6A3 c.2651T>G variant is predicted to result in the amino acid substitution p.Val884Gly. To our knowledge, this variant has not been reported in the literature or in a large population database, indicating this variant is rare. At this time, the clinical significance of this variant is uncertain due to the absence of conclusive functional and genetic evidence.